The following is an entry in ClinVar:

NM_002470.4(MYH3):c.5579_5590del (p.Lys1860_Leu1863del)

Gene: MYH3 (myosin heavy chain 3; minus strand). Cytogenetic location: 17p13.1.
Variant type: Deletion.
Coding change: c.5579_5590del on transcript NM_002470.4 (MANE Select); coding-DNA positions 5579 to 5590, 12 bases deleted (AGAATGTGCTGA).
Protein change: p.Lys1860_Leu1863del.
Genome position (GRCh38, 1-based): chr17:10,629,910-10,629,921, TCAGCACATTCT deleted on the plus strand (AGAATGTGCTGA on the coding strand, the reverse complement: MYH3 is on the minus strand); deleting any 12 consecutive bases within chr17:10,629,910-10,629,923 gives the same sequence; the c. name uses the placement nearest the transcript's 3' end. VCF-style (leftmost placement, unchanged base first): chr17-10629909-CTCAGCACATTCT-C. GRCh37 (hg19) VCF-style: chr17-10533226-CTCAGCACATTCT-C.
Identifiers: ClinVar variation 4070613 (VCV004070613.1).
Genomic context (GRCh38, chr17:10,629,909, plus strand): 5'-TCCGCCTGCCTCTTGTAGGACTTGACTTTCACTTGCAGTTTATCCACCAGATCCTGCAAT[CTCAGCACATTCT>C]TCCTGTCCTCTTCACTCTAAGAATGAGAAAGTGGGAATGTCACTGGAGAGGAGGGGGCAG-3'

ClinVar aggregate classification (germline): Uncertain significance (1 of 4 stars; one submission).

Submission:

GeneDx
Classification: Uncertain significance. Last evaluated: 2025-01-15. Review status: criteria provided, single submitter. Criteria: GeneDx Variant Classification Process June 2021. Collection method: clinical testing. Allele origin: germline. Affected: yes.
Comment: Not observed at significant frequency in large population cohorts (gnomAD); In-frame deletion of 4 amino acids in a non-repeat region; In silico analysis indicates that this variant does not alter protein structure/function; Has not been previously published as pathogenic or benign to our knowledge